The following is an entry in ClinVar:

ClinVar aggregate classification (germline): Uncertain significance (1 of 4 stars; one submission).

Conditions:
DLC1-related disorder. Also called: DLC1-related condition.

gnomAD v4.1: 40 of 1,613,994 alleles (0.0025%); highest among the groups gnomAD compares: Non-Finnish European, 0.0031%; no homozygotes.

Submission:

PreventionGenetics, part of Exact Sciences
Classification: Uncertain significance for DLC1-related condition. Last evaluated: 2026-07-27. Review status: criteria provided, single submitter. Criteria: ACMG Guidelines, 2015. Collection method: clinical testing. Allele origin: germline.
Comment: The DLC1 c.4037A>T variant is predicted to result in the amino acid substitution p.Tyr1346Phe. To our knowledge, this variant has not been reported in the literature. This variant is reported in 0.0053% of alleles in individuals of European (Non-Finnish) descent in gnomAD. At this time, the clinical significance of this variant is uncertain due to the absence of conclusive functional and genetic evidence.

NM_182643.3(DLC1):c.4037A>T (p.Tyr1346Phe)

Genes: DLC1 (DLC1 Rho GTPase activating protein; minus strand), LOC126860305 (MED14-independent group 3 enhancer GRCh37_chr8:12947375-12948574; plus strand). Cytogenetic location: 8p22.
Variant type: single nucleotide variant.
Coding change: c.4037A>T on transcript NM_182643.3 (MANE Select); coding-DNA position 4037, A replaced by T.
Protein change: p.Tyr1346Phe; replaces tyrosine 1346 with phenylalanine.
Molecular consequence: missense variant. On other transcripts: intron variant (2).
Genome position (GRCh38, 1-based): chr8:13,090,289, T>A on the plus strand (A>T on the coding strand, the complement: DLC1 is on the minus strand). VCF-style: chr8-13090289-T-A. GRCh37 (hg19) VCF-style: chr8-12947798-T-A.
Other names: c.2504A>T, p.Tyr835Phe (NM_001164271.2, NM_001348082.2, NM_001348083.1 and 6 more transcripts); c.2828A>T, p.Tyr943Phe (NM_001316668.2); c.4037A>T, p.Tyr1346Phe (NM_001348081.2, NM_001413124.1); c.2819A>T, p.Tyr940Phe (NM_001413130.1); c.2477A>T, p.Tyr826Phe (NM_001413131.1, NM_001413137.1); c.2963A>T, p.Tyr988Phe (NM_001413132.1); c.2726A>T, p.Tyr909Phe (NM_001413135.1, NM_001413139.1, NM_006094.5); c.2861A>T, p.Tyr954Phe (NM_001413140.1); and 2 more; short protein forms Y909F, Y954F, Y1346F, Y988F, Y826F, Y943F, Y835F, Y940F.
Identifiers: ClinVar variation 4984632 (VCV004984632.1).